The following is an entry in ClinVar:

NM_000719.7(CACNA1C):c.5917C>T (p.Arg1973Trp)

Genes: CACNA1C (calcium voltage-gated channel subunit alpha1 C; plus strand), CACNA1C-AS1 (CACNA1C antisense RNA 1; minus strand). Cytogenetic location: 12p13.33.
Variant type: single nucleotide variant.
Coding change: c.5917C>T on transcript NM_000719.7 (MANE Select); coding-DNA position 5917, C replaced by T.
Protein change: p.Arg1973Trp; replaces arginine 1973 with tryptophan.
Molecular consequence: missense variant.
Genome position (GRCh38, 1-based): chr12:2,688,579, C>T. VCF-style: chr12-2688579-C-T. GRCh37 (hg19) VCF-style: chr12-2797745-C-T.
Other names: c.6061C>T, p.Arg2021Trp (NM_001129827.2); c.6040C>T, p.Arg2014Trp (NM_001129829.2); c.6022C>T, p.Arg2008Trp (NM_001129830.3, NM_001167624.3); c.6001C>T, p.Arg2001Trp (NM_001129831.2); c.5977C>T, p.Arg1993Trp (NM_001129832.2); c.5974C>T, p.Arg1992Trp (NM_001129833.2, NM_001129834.2, NM_001129835.2); c.5968C>T, p.Arg1990Trp (NM_001129836.2); c.5941C>T, p.Arg1981Trp (NM_001129837.2, NM_001129838.2); and 6 more; short protein forms R1992W, R1993W, R2008W, R2021W, R2033W, R2056W, R1962W, R1970W.
Identifiers: ClinVar variation 1369868 (VCV001369868.11), dbSNP rs774402582, ClinGen allele CA6390028.
Genomic context (GRCh38, chr12:2,688,579, plus strand): 5'-GCCACCCCACCAGCCACACCTGGCAGCCGAGGCTGGCCCCCACAGCCCGTCCCCACCCTG[C>T]GGCTTGAGGGGGTCGAGTCCAGTGAGAAACTCAACAGCAGCTTCCCATCCATCCACTGCG-3'
Protein context (NP_000710.5, residues 1963-1983): GWPPQPVPTL[Arg1973Trp]LEGVESSEKL

ClinVar aggregate classification (germline): Conflicting classifications of pathogenicity. Review status: criteria provided, conflicting classifications (1 of 4 stars). 2 submissions from 2 submitters: Uncertain significance (1); Benign (1). Last evaluated 2025-12-13.

Conditions:
Long QT syndrome (LQTS). Identifiers: MedGen C0023976, MeSH D008133, MONDO:0002442. Disease mechanism: loss of function. Inheritance: Various modes of inheritance.
Cardiovascular phenotype. Identifiers: MedGen CN230736.

Allele frequency attached by ClinVar (database versions not stated): ExAC 0.00001.
gnomAD v4.1: 19 of 1,613,988 alleles (0.0012%); highest among the groups gnomAD compares: Middle Eastern, 0.033%; 1 homozygote.

Submissions (2):

Labcorp Genetics (formerly Invitae), Labcorp
Classification: Benign for Long QT syndrome. Last evaluated: 2025-12-13. Review status: criteria provided, single submitter. Criteria: Invitae Variant Classification Sherloc (09022015). Collection method: clinical testing. Allele origin: germline.

Ambry Genetics
Classification: Uncertain significance for Cardiovascular phenotype. Last evaluated: 2024-04-17. Review status: criteria provided, single submitter. Criteria: Ambry Variant Classification Scheme 2023. Collection method: clinical testing. Allele origin: germline.
Comment: The p.R1973W variant (also known as c.5917C>T), located in coding exon 46 of the CACNA1C gene, results from a C to T substitution at nucleotide position 5917. The arginine at codon 1973 is replaced by tryptophan, an amino acid with dissimilar properties. This amino acid position is well conserved in available vertebrate species. In addition, this alteration is predicted to be tolerated by in silico analysis. Based on the available evidence, the clinical significance of this variant remains unclear.